The following is an entry in ClinVar:

NM_000081.4(LYST):c.8802-2A>G

Gene: LYST (lysosomal trafficking regulator; minus strand). Cytogenetic location: 1q42.3.
Variant type: single nucleotide variant.
Coding change: c.8802-2A>G on transcript NM_000081.4 (MANE Select); the canonical splice acceptor site of the intron before coding-DNA position 8802, A replaced by G.
Molecular consequence: splice acceptor variant.
Genome position (GRCh38, 1-based): chr1:235,731,179, T>C on the plus strand (A>G on the coding strand, the complement: LYST is on the minus strand). VCF-style: chr1-235731179-T-C. GRCh37 (hg19) VCF-style: chr1-235894479-T-C.
Other names: c.8802-2A>G (NM_001301365.1).
Identifiers: ClinVar variation 435793 (VCV000435793.10), dbSNP rs2527531929, ClinGen allele CA344950293.
Genomic context (GRCh38, chr1:235,731,179, plus strand): 5'-CTTCTGTTGGATCCAACTGCCATGAGGTTGGATAGTAGATGGGGTCATACCATACTGCTC[T>C]GCAAGTAAAAAGATTAAAGGGTGTTTTAAGTGACCATCCAGGACTTGTAGCTATAAAAAA-3'

ClinVar aggregate classification (germline): Pathogenic/Likely pathogenic. Review status: criteria provided, multiple submitters, no conflicts (2 of 4 stars). 2 submissions from 2 submitters: Pathogenic (1); Likely pathogenic (1). Last evaluated 2024-02-19.

Conditions:
Chédiak-Higashi syndrome (CHS). Also called: Chediak-Higashi Syndrome. Identifiers: Orphanet 167, MedGen C0007965, MONDO:0008963, OMIM 214500.

Submissions (2):

Labcorp Genetics (formerly Invitae), Labcorp
Classification: Likely pathogenic for Chédiak-Higashi syndrome. Last evaluated: 2024-02-19. Review status: criteria provided, single submitter. Criteria: Invitae Variant Classification Sherloc (09022015). Collection method: clinical testing. Allele origin: germline.
Comment: This sequence change affects an acceptor splice site in intron 34 of the LYST gene. It is expected to disrupt RNA splicing. Variants that disrupt the donor or acceptor splice site typically lead to a loss of protein function (PMID: 16199547), and loss-of-function variants in LYST are known to be pathogenic (PMID: 9215679, 11857544). This variant is not present in population databases (gnomAD no frequency). Disruption of this splice site has been observed in individual(s) with clinical features of Chediak-Higashi syndrome (PMID: 32542393). ClinVar contains an entry for this variant (Variation ID: 435793). Algorithms developed to predict the effect of sequence changes on RNA splicing suggest that this variant may disrupt the consensus splice site. In summary, the currently available evidence indicates that the variant is pathogenic, but additional data are needed to prove that conclusively. Therefore, this variant has been classified as Likely Pathogenic.

Genetic Services Laboratory, University of Chicago
Classification: Pathogenic for Chediak-Higashi syndrome. Last evaluated: 2016-11-23. Review status: criteria provided, single submitter. Criteria: ACMG Guidelines, 2015. Collection method: clinical testing. Allele origin: germline. Affected: yes.

Literature cited by the submitters: PubMed 16199547 (cited by Labcorp Genetics (formerly Invitae), Labcorp); PubMed 9215679 (cited by Labcorp Genetics (formerly Invitae), Labcorp); PubMed 11857544 (cited by Labcorp Genetics (formerly Invitae), Labcorp); PubMed 32542393 (cited by Labcorp Genetics (formerly Invitae), Labcorp).